The following is an entry in ClinVar:

ClinVar aggregate classification (germline): Uncertain significance. Review status: criteria provided, multiple submitters, no conflicts (2 of 4 stars). 2 submissions from 2 submitters: Uncertain significance (2). Last evaluated 2022-07-18.

Submissions (2):

Labcorp Genetics (formerly Invitae), Labcorp
Classification: Uncertain significance. Last evaluated: 2022-07-18. Review status: criteria provided, single submitter. Criteria: Invitae Variant Classification Sherloc (09022015). Collection method: clinical testing. Allele origin: germline.
Comment: In summary, the available evidence is currently insufficient to determine the role of this variant in disease. Therefore, it has been classified as a Variant of Uncertain Significance. Algorithms developed to predict the effect of missense changes on protein structure and function are either unavailable or do not agree on the potential impact of this missense change (SIFT: "Deleterious"; PolyPhen-2: "Probably Damaging"; Align-GVGD: "Class C15"). ClinVar contains an entry for this variant (Variation ID: 452593). This variant has not been reported in the literature in individuals affected with NFKB1-related conditions. This variant is not present in population databases (gnomAD no frequency). This sequence change replaces glycine, which is neutral and non-polar, with arginine, which is basic and polar, at codon 299 of the NFKB1 protein (p.Gly299Arg).

GeneDx
Classification: Uncertain significance. Last evaluated: 2017-10-06. Review status: criteria provided, single submitter. Criteria: GeneDx Variant Classification (06012015). Collection method: clinical testing. Allele origin: germline. Affected: yes.
Comment: The G299R variant in the NFKB1 gene has not been reported previously as a pathogenic variant, nor as a benign variant, to our knowledge. The G299R variant is not observed in large population cohorts (Lek et al., 2016). The G299R variant is a non-conservative amino acid substitution, which is likely to impact secondary protein structure as these residues differ in polarity, charge, size and/or other properties. This substitution occurs at a position that is conserved across species, and in silico analysis predicts this variant is probably damaging to the protein structure/function. We interpret G299R as a variant of uncertain significance.

NM_003998.4(NFKB1):c.895G>A (p.Gly299Arg)

Gene: NFKB1 (nuclear factor kappa B subunit 1; plus strand). Cytogenetic location: 4q24.
Variant type: single nucleotide variant.
Coding change: c.895G>A on transcript NM_003998.4 (MANE Select); coding-DNA position 895, G replaced by A.
Protein change: p.Gly299Arg; replaces glycine 299 with arginine.
Molecular consequence: missense variant.
Genome position (GRCh38, 1-based): chr4:102,582,925, G>A. VCF-style: chr4-102582925-G-A. GRCh37 (hg19) VCF-style: chr4-103504082-G-A.
Other names: c.892G>A, p.Gly298Arg (NM_001165412.2, NM_001319226.2); c.895G>A, p.Gly299Arg (LRG_1316t1); short protein forms G299R, G298R.
Identifiers: ClinVar variation 452593 (VCV000452593.7), dbSNP rs1553934600, ClinGen allele CA357960653.